The following is an entry in ClinVar:

ClinVar aggregate classification (germline): Uncertain significance (1 of 4 stars; one submission).

Conditions:
Cardiovascular phenotype. Identifiers: MedGen CN230736.

Submission:

Ambry Genetics
Classification: Uncertain significance for Cardiovascular phenotype. Last evaluated: 2023-05-05. Review status: criteria provided, single submitter. Criteria: Ambry Variant Classification Scheme 2023. Collection method: clinical testing. Allele origin: germline.
Comment: The p.I737V variant (also known as c.2209A>G), located in coding exon 14 of the CBL gene, results from an A to G substitution at nucleotide position 2209. The isoleucine at codon 737 is replaced by valine, an amino acid with highly similar properties. This amino acid position is conserved. In addition, this alteration is predicted to be tolerated by in silico analysis. Since supporting evidence is limited at this time, the clinical significance of this alteration remains unclear.

NM_005188.4(CBL):c.2209A>G (p.Ile737Val)

Gene: CBL (Cbl proto-oncogene; plus strand). Cytogenetic location: 11q23.3.
Variant type: single nucleotide variant.
Coding change: c.2209A>G on transcript NM_005188.4 (MANE Select); coding-DNA position 2209, A replaced by G.
Protein change: p.Ile737Val; replaces isoleucine 737 with valine.
Molecular consequence: missense variant.
Genome position (GRCh38, 1-based): chr11:119,297,439, A>G. VCF-style: chr11-119297439-A-G. GRCh37 (hg19) VCF-style: chr11-119168149-A-G.
Other names: short protein forms I737V.
Identifiers: ClinVar variation 2567302 (VCV002567302.2), dbSNP rs1469059150, ClinGen allele CA382928379.